The following is an entry in ClinVar:

NM_032856.5(WDR73):c.466C>T (p.Arg156Ter)

Gene: WDR73 (WD repeat domain 73; minus strand). Cytogenetic location: 15q25.2.
Variant type: single nucleotide variant.
Coding change: c.466C>T on transcript NM_032856.5 (MANE Select); coding-DNA position 466, C replaced by T.
Protein change: p.Arg156Ter; replaces arginine 156 with a stop codon.
Molecular consequence: nonsense. On other transcripts: non-coding transcript variant (4).
Genome position (GRCh38, 1-based): chr15:84,646,235, G>A on the plus strand (C>T on the coding strand, the complement: WDR73 is on the minus strand). VCF-style: chr15-84646235-G-A. GRCh37 (hg19) VCF-style: chr15-85189466-G-A.
Other names: short protein forms R156*.
Identifiers: ClinVar variation 3628185 (VCV003628185.4).

ClinVar aggregate classification (germline): Pathogenic/Likely pathogenic. Review status: criteria provided, multiple submitters, no conflicts (2 of 4 stars). 2 submissions from 2 submitters: Pathogenic (1); Likely pathogenic (1). Last evaluated 2024-11-09.

Conditions:
Galloway-Mowat syndrome 1 (GAMOS1). Identifiers: Orphanet 2065, Orphanet 83472, MedGen C4551772, MONDO:0033005, OMIM 251300.

Submissions (2):

Labcorp Genetics (formerly Invitae), Labcorp
Classification: Pathogenic. Last evaluated: 2024-11-09. Review status: criteria provided, single submitter. Criteria: Invitae Variant Classification Sherloc (09022015). Collection method: clinical testing. Allele origin: germline.
Comment: This sequence change creates a premature translational stop signal (p.Arg156*) in the WDR73 gene. It is expected to result in an absent or disrupted protein product. Loss-of-function variants in WDR73 are known to be pathogenic (PMID: 25466283, 25873735, 26123727). This variant is present in population databases (rs779850879, gnomAD 0.003%). This variant has not been reported in the literature in individuals affected with WDR73-related conditions. For these reasons, this variant has been classified as Pathogenic.

Juno Genomics, Hangzhou Juno Genomics, Inc
Classification: Likely pathogenic for Galloway-Mowat syndrome 1. Review status: criteria provided, single submitter. Criteria: ACMG Guidelines, 2015. Collection method: clinical testing. Allele origin: germline.
Comment: Null variant in a gene where loss of function (LOF) is a known mechanism of disease.;Absent from controls (or at extremely low frequency if recessive) in Genome Aggregation Database.

Literature cited by the submitters: PubMed 25466283 (cited by Labcorp Genetics (formerly Invitae), Labcorp); PubMed 25873735 (cited by Labcorp Genetics (formerly Invitae), Labcorp); PubMed 26123727 (cited by Labcorp Genetics (formerly Invitae), Labcorp).